The following is an entry in ClinVar:

ClinVar aggregate classification (germline): Uncertain significance (1 of 4 stars; one submission).

Allele frequency attached by ClinVar (database versions not stated): gnomAD exomes below 0.00001.

Submission:

GeneDx
Classification: Uncertain significance. Last evaluated: 2024-11-18. Review status: criteria provided, single submitter. Criteria: GeneDx Variant Classification Process June 2021. Collection method: clinical testing. Allele origin: germline.
Comment: Not observed at significant frequency in large population cohorts (gnomAD); In silico analysis indicates that this missense variant does not alter protein structure/function; Has not been previously published as pathogenic or benign to our knowledge

NM_001018115.3(FANCD2):c.2549T>C (p.Ile850Thr)

Genes: FANCD2 (FA complementation group D2; plus strand), LOC107303338 (3p25 FANCD2 Alu-mediated recombination region; plus strand). Cytogenetic location: 3p25.3.
Variant type: single nucleotide variant.
Coding change: c.2549T>C on transcript NM_001018115.3 (MANE Select); coding-DNA position 2549, T replaced by C.
Protein change: p.Ile850Thr; replaces isoleucine 850 with threonine.
Molecular consequence: missense variant.
Genome position (GRCh38, 1-based): chr3:10,072,925, T>C. VCF-style: chr3-10072925-T-C. GRCh37 (hg19) VCF-style: chr3-10114609-T-C.
Other names: c.2549T>C, p.Ile850Thr (NM_001319984.2, NM_001374254.1, NM_033084.6); c.2438T>C, p.Ile813Thr (NM_001374253.1); short protein forms I813T, I850T.
Identifiers: ClinVar variation 1800845 (VCV001800845.2), dbSNP rs2469992421, ClinGen allele CA351741749.